The following is an entry in ClinVar:

ClinVar aggregate classification (germline): Uncertain significance (1 of 4 stars; one submission).

Submission:

Labcorp Genetics (formerly Invitae), Labcorp
Classification: Uncertain significance. Last evaluated: 2024-05-23. Review status: criteria provided, single submitter. Criteria: Invitae Variant Classification Sherloc (09022015). Collection method: clinical testing. Allele origin: germline.
Comment: This sequence change replaces leucine, which is neutral and non-polar, with proline, which is neutral and non-polar, at codon 123 of the COL11A2 protein (p.Leu123Pro). This variant is not present in population databases (gnomAD no frequency). This variant has not been reported in the literature in individuals affected with COL11A2-related conditions. Advanced modeling of protein sequence and biophysical properties (such as structural, functional, and spatial information, amino acid conservation, physicochemical variation, residue mobility, and thermodynamic stability) performed at Invitae indicates that this missense variant is not expected to disrupt COL11A2 protein function with a negative predictive value of 95%. In summary, the available evidence is currently insufficient to determine the role of this variant in disease. Therefore, it has been classified as a Variant of Uncertain Significance.

NM_080680.3(COL11A2):c.368T>C (p.Leu123Pro)

Gene: COL11A2 (collagen type XI alpha 2 chain; minus strand). Cytogenetic location: 6p21.32.
Variant type: single nucleotide variant.
Coding change: c.368T>C on transcript NM_080680.3 (MANE Select); coding-DNA position 368, T replaced by C.
Protein change: p.Leu123Pro; replaces leucine 123 with proline.
Molecular consequence: missense variant. On other transcripts: 5 prime UTR variant (3), non-coding transcript variant (1).
Genome position (GRCh38, 1-based): chr6:33,189,053, A>G on the plus strand (T>C on the coding strand, the complement: COL11A2 is on the minus strand). VCF-style: chr6-33189053-A-G. GRCh37 (hg19) VCF-style: chr6-33156830-A-G.
Other names: c.368T>C, p.Leu123Pro (NM_001163771.2, NM_001424108.1, NM_080679.3 and 1 more transcripts); c.-479T>C (NM_001424109.1, NM_001424110.1, NM_001424111.1); short protein forms L123P.
Identifiers: ClinVar variation 3688351 (VCV003688351.2).